The following is an entry in ClinVar:

ClinVar aggregate classification (germline): Benign. Review status: criteria provided, multiple submitters, no conflicts (2 of 4 stars). 2 submissions from 2 submitters: Benign (2). Last evaluated 2018-06-18.

Allele frequency attached by ClinVar (database versions not stated): gnomAD 0.35315 and 0.35773; TOPMed 0.36121; gnomAD exomes 0.37157; 1000 Genomes Project 0.40036; 1000 Genomes Project 30x 0.40178.
gnomAD v4.1: 182,400 of 496,230 alleles (37%); highest among the groups gnomAD compares: South Asian, 48%; 34,671 homozygotes.

Submissions (2):

GeneDx
Classification: Benign. Last evaluated: 2018-06-18. Review status: criteria provided, single submitter. Criteria: GeneDx Variant Classification (06012015). Collection method: clinical testing. Allele origin: germline. Affected: yes.
Comment: This variant is considered likely benign or benign based on one or more of the following criteria: it is a conservative change, it occurs at a poorly conserved position in the protein, it is predicted to be benign by multiple in silico algorithms, and/or has population frequency not consistent with disease.

Breakthrough Genomics
Classification: Benign. Review status: criteria provided, single submitter. Criteria: ACMG Guidelines, 2015. Collection method: not provided. Allele origin: germline. Inheritance: Autosomal recessive inheritance. Affected: yes.

NM_139343.3(BIN1):c.1263+301G>A

Gene: BIN1 (bridging integrator 1; minus strand). Cytogenetic location: 2q14.3.
Variant type: single nucleotide variant.
Coding change: c.1263+301G>A on transcript NM_139343.3 (MANE Select); 301 bases into the intron after coding-DNA position 1263, G replaced by A.
Molecular consequence: intron variant.
Genome position (GRCh38, 1-based): chr2:127,053,121, C>T on the plus strand (G>A on the coding strand, the complement: BIN1 is on the minus strand). VCF-style: chr2-127053121-C-T. GRCh37 (hg19) VCF-style: chr2-127810697-C-T.
Other names: c.1182+301G>A (NM_001320642.1); c.838-2209G>A (NM_001320634.1); c.910-2209G>A (NM_139351.3); c.910-1878G>A (NM_139350.3); c.910-759G>A (NM_139349.3); c.1039-1878G>A (NM_139348.3); c.1039-759G>A (NM_139347.3); c.1170+301G>A (NM_001320641.2); and 7 more.
Identifiers: ClinVar variation 668877 (VCV000668877.2), dbSNP rs17014818, ClinGen allele CA11082042.